The following is an entry in ClinVar:

NM_000051.4(ATM):c.7266G>A (p.Glu2422=)

Genes: ATM (ATM serine/threonine kinase; plus strand), C11orf65 (chromosome 11 open reading frame 65; minus strand). Cytogenetic location: 11q22.3.
Variant type: single nucleotide variant.
Coding change: c.7266G>A on transcript NM_000051.4 (MANE Select); coding-DNA position 7266, G replaced by A.
Protein change: p.Glu2422=; no amino-acid change (glutamic acid 2422 retained).
Molecular consequence: synonymous variant. On other transcripts: intron variant (2).
Genome position (GRCh38, 1-based): chr11:108,329,197, G>A. VCF-style: chr11-108329197-G-A. GRCh37 (hg19) VCF-style: chr11-108199924-G-A.
Other names: c.7266G>A, p.Glu2422= (NM_001351834.2); c.641-20126C>T (NM_001330368.2); c.*38+6023C>T (NM_001351110.2).
Identifiers: ClinVar variation 232548 (VCV000232548.41), dbSNP rs876659834, ClinGen allele CA10579254.

ClinVar aggregate classification (germline): Benign/Likely benign. Review status: criteria provided, multiple submitters, no conflicts (2 of 4 stars). 5 submissions from 5 submitters: Benign (1); Likely benign (4). Last evaluated 2025-03-07.

Conditions:
Hereditary cancer-predisposing syndrome. Also called: Neoplastic Syndromes, Hereditary; Hereditary neoplastic syndrome; Tumor predisposition; Hereditary Cancer Syndrome. Identifiers: Orphanet 140162, MedGen C0027672, MeSH D009386, MONDO:0015356.
Ataxia-telangiectasia syndrome (AT). Also called: Ataxia telangiectasia (A-T); Cerebello-oculocutaneous telangiectasia; Immunodeficiency with ataxia telangiectasia; LOUIS-BAR SYNDROME; AT, COMPLEMENTATION GROUP C; ATAXIA-TELANGIECTASIA, FRESNO VARIANT. Identifiers: Orphanet 100, MedGen C0004135, MONDO:0008840, OMIM 208900.
Familial cancer of breast. Also called: hereditary breast carcinoma; Hereditary breast cancer; BREAST CANCER, FAMILIAL. Identifiers: Orphanet 227535, MedGen C0346153, MONDO:0016419, OMIM 114480. Disease mechanism: loss of function.

Allele frequency attached by ClinVar (database versions not stated): gnomAD 0.00001; TOPMed below 0.00001.
gnomAD v4.1: 4 of 1,613,882 alleles (0.00025%); highest among the groups gnomAD compares: Non-Finnish European, 0.00034%; no homozygotes.

Submissions (5):

Labcorp Genetics (formerly Invitae), Labcorp
Classification: Likely benign for Ataxia-telangiectasia syndrome. Last evaluated: 2025-03-07. Review status: criteria provided, single submitter. Criteria: Invitae Variant Classification Sherloc (09022015). Collection method: clinical testing. Allele origin: germline.

Myriad Genetics, Inc.
Classification: Benign for Familial cancer of breast. Last evaluated: 2024-06-13. Review status: criteria provided, single submitter. Criteria: Myriad Autosomal Dominant, Autosomal Recessive and X-Linked Classification Criteria (2023). Collection method: clinical testing. Allele origin: unknown.
Comment: This variant is considered benign. This variant is a silent/synonymous amino acid change and it is not expected to impact splicing.

CeGaT Center for Human Genetics Tuebingen
Classification: Likely benign. Last evaluated: 2022-06-01. Review status: criteria provided, single submitter. Criteria: CeGaT Center For Human Genetics Tuebingen Variant Classification Criteria Version 2. Collection method: clinical testing. Allele origin: germline. Affected: yes. Observed: 1 variant allele.
Comment: ATM: BP4, BP7

Color Diagnostics, LLC DBA Color Health
Classification: Likely benign for Hereditary cancer-predisposing syndrome. Last evaluated: 2018-11-28. Review status: criteria provided, single submitter. Criteria: ACMG Guidelines, 2015. Collection method: clinical testing. Allele origin: germline.

Ambry Genetics
Classification: Likely benign for Hereditary cancer-predisposing syndrome. Last evaluated: 2017-09-25. Review status: criteria provided, single submitter. Criteria: Ambry Variant Classification Scheme 2023. Collection method: clinical testing. Allele origin: germline.